The following is an entry in ClinVar:

NM_002160.4(TNC):c.3637G>A (p.Val1213Ile)

Genes: TNC (tenascin C; minus strand), LOC126860741 (P300/CBP strongly-dependent group 1 enhancer GRCh37_chr9:117825442-117826641; plus strand). Cytogenetic location: 9q33.1.
Variant type: single nucleotide variant.
Coding change: c.3637G>A on transcript NM_002160.4 (MANE Select); coding-DNA position 3637, G replaced by A.
Protein change: p.Val1213Ile; replaces valine 1213 with isoleucine.
Molecular consequence: missense variant.
Genome position (GRCh38, 1-based): chr9:115,063,919, C>T on the plus strand (G>A on the coding strand, the complement: TNC is on the minus strand). VCF-style: chr9-115063919-C-T. GRCh37 (hg19) VCF-style: chr9-117826198-C-T.
Other names: c.3637G>A, p.Val1213Ile (NM_001410991.1); c.3637G>A (NM_002160.3); short protein forms V1213I.
Identifiers: ClinVar variation 2659455 (VCV002659455.27), dbSNP rs368280307, ClinGen allele CA5208175.
Genomic context (GRCh38, chr9:115,063,919, plus strand): 5'-TGGTATAATGAGTGGCTGCTTTGAGCCCAGGCAGGTCTGTGGACCTCAGTCCTCCTGGGA[C>T]GGTGAGGTTCTGGGCTGCCTCTACTGTGTCAGCCTCCTGCACCTGAATGAAAAAGTACTC-3'
Protein context (NP_002151.2, residues 1203-1223): DTVEAAQNLT[Val1213Ile]PGGLRSTDLP

ClinVar aggregate classification (germline): Conflicting classifications of pathogenicity. Review status: criteria provided, conflicting classifications (1 of 4 stars). 4 submissions from 4 submitters: Uncertain significance (1); Likely benign (2). 1 of the submissions does not count toward it. Last evaluated 2024-01-31.

Conditions:
TNC-related disorder. Also called: TNC-related condition.

Allele frequency attached by ClinVar (database versions not stated): gnomAD 0.00009; TOPMed 0.00009.
gnomAD v4.1: 77 of 1,614,020 alleles (0.0048%); highest among the groups gnomAD compares: East Asian, 0.018%; no homozygotes.

Submissions (4):

Women's Health and Genetics/Laboratory Corporation of America, LabCorp
Classification: Likely benign. Last evaluated: 2024-01-31. Review status: criteria provided, single submitter. Criteria: LabCorp Variant Classification Summary - May 2015. Collection method: clinical testing. Allele origin: germline.
Comment: Variant summary: TNC c.3637G>A (p.Val1213Ile) results in a conservative amino acid change located in the fibronectin type III domain (IPR003961) of the encoded protein sequence. Four of five in-silico tools predict a benign effect of the variant on protein function. The variant allele was found at a frequency of 4.8e-05 in 1614020 control chromosomes (i.e. 77 individuals) in the gnomAD database. This suggests the variant is not likely to be associated with a highly penetrant autosomal dominant disorder. c.3637G>A has been reported in the literature as a VUS in a setting of multigene panel testing in an individual affected with Deafness, however, it was also found in multiple ethnically-matched healthy controls (Ma_2023). This report does not provide unequivocal conclusions about association of the variant with Autosomal Dominant Deafness, 56. To our knowledge, no experimental evidence demonstrating an impact on protein function has been reported. The following publication has been ascertained in the context of this evaluation (PMID: 36597107). ClinVar contains an entry for this variant (Variation ID: 2659455). Based on the evidence outlined above, the variant was classified as likely benign.

CeGaT Center for Human Genetics Tuebingen
Classification: Likely benign. Last evaluated: 2023-10-01. Review status: criteria provided, single submitter. Criteria: CeGaT Center For Human Genetics Tuebingen Variant Classification Criteria Version 2. Collection method: clinical testing. Allele origin: germline. Affected: yes. Observed: 1 variant allele.
Comment: TNC: BP4, BS2

Ambry Genetics
Classification: Uncertain significance. Last evaluated: 2023-09-23. Review status: criteria provided, single submitter. Criteria: Ambry Variant Classification Scheme 2023. Collection method: clinical testing. Allele origin: germline.

PreventionGenetics, part of Exact Sciences
Classification: Likely benign for TNC-related condition. Last evaluated: 2023-01-10. Review status: no assertion criteria provided. Collection method: clinical testing. Allele origin: germline. Not counted in ClinVar's aggregate classification.
Comment: This variant is classified as likely benign based on ACMG/AMP sequence variant interpretation guidelines (Richards et al. 2015 PMID: 25741868, with internal and published modifications).

Literature cited by the submitters: PubMed 36597107 (cited by Women's Health and Genetics/Laboratory Corporation of America, LabCorp).